The following is an entry in ClinVar:

NM_018089.3(ANKZF1):c.1964G>A (p.Arg655Gln)

Gene: ANKZF1 (ankyrin repeat and zinc finger peptidyl tRNA hydrolase 1; plus strand). Cytogenetic location: 2q35.
Variant type: single nucleotide variant.
Coding change: c.1964G>A on transcript NM_018089.3 (MANE Select); coding-DNA position 1964, G replaced by A.
Protein change: p.Arg655Gln; replaces arginine 655 with glutamine.
Molecular consequence: missense variant.
Genome position (GRCh38, 1-based): chr2:219,235,868, G>A. VCF-style: chr2-219235868-G-A. GRCh37 (hg19) VCF-style: chr2-220100590-G-A.
Other names: c.1964G>A (NM_018089.2); c.1964G>A, p.Arg655Gln (NM_001042410.2); c.1334G>A, p.Arg445Gln (NM_001282792.2); short protein forms R445Q, R655Q.
Identifiers: ClinVar variation 2900614 (VCV002900614.4), dbSNP rs759912179, ClinGen allele CA2121241.
Genomic context (GRCh38, chr2:219,235,868, plus strand): 5'-AGCAGGAGCAGGAGGAGCGTGAACGAGAAGAGCAGCGGCGATTTGCCGCCCTCAGTGACC[G>A]AGAGAAGGTGAGGCTGGAGGTTCTCTTGTCCATGGCAAGGCTTCCTAGAGGTCTAACCCC-3'
Protein context (NP_060559.2, residues 645-665): EQRRFAALSD[Arg655Gln]EKRALAAERR

ClinVar aggregate classification (germline): Conflicting classifications of pathogenicity. Review status: criteria provided, conflicting classifications (1 of 4 stars). 2 submissions from 2 submitters: Uncertain significance (1); Likely benign (1). Last evaluated 2023-10-25.

Allele frequency attached by ClinVar (database versions not stated): TOPMed 0.00002; gnomAD 0.00003; ExAC 0.00006.
gnomAD v4.1: 34 of 1,614,050 alleles (0.0021%); highest among the groups gnomAD compares: East Asian, 0.016%; no homozygotes.

Submissions (2):

Ambry Genetics
Classification: Likely benign. Last evaluated: 2023-10-25. Review status: criteria provided, single submitter. Criteria: Ambry Variant Classification Scheme 2023. Collection method: clinical testing. Allele origin: germline.

Labcorp Genetics (formerly Invitae), Labcorp
Classification: Uncertain significance. Last evaluated: 2023-01-31. Review status: criteria provided, single submitter. Criteria: Invitae Variant Classification Sherloc (09022015). Collection method: clinical testing. Allele origin: germline.
Comment: This sequence change replaces arginine, which is basic and polar, with glutamine, which is neutral and polar, at codon 655 of the ANKZF1 protein (p.Arg655Gln). In summary, the available evidence is currently insufficient to determine the role of this variant in disease. Therefore, it has been classified as a Variant of Uncertain Significance. Algorithms developed to predict the effect of missense changes on protein structure and function output the following: SIFT: "Tolerated"; PolyPhen-2: "Probably Damaging"; Align-GVGD: "Class C0". The glutamine amino acid residue is found in multiple mammalian species, which suggests that this missense change does not adversely affect protein function. This variant has not been reported in the literature in individuals affected with ANKZF1-related conditions. This variant is present in population databases (rs759912179, gnomAD 0.04%).